The following is an entry in ClinVar:

NM_000216.4(ANOS1):c.1862dup (p.Pro622fs)

Gene: ANOS1 (anosmin 1; minus strand). Cytogenetic location: Xp22.31.
Variant type: Duplication.
Coding change: c.1862dup on transcript NM_000216.4 (MANE Select); coding-DNA position 1862, one base duplicated (T; older notation c.1862dupT).
Protein change: p.Pro622fs; shifts the reading frame from proline 622.
Molecular consequence: frameshift variant.
Genome position (GRCh38, 1-based): chrX:8,534,441, A duplicated on the plus strand (T on the coding strand, the reverse complement: ANOS1 is on the minus strand). VCF-style (leftmost placement, unchanged base first): chrX-8534440-C-CA. GRCh37 (hg19) VCF-style: chrX-8502481-C-CA.
Other names: short protein forms P622fs.
Identifiers: ClinVar variation 1460215 (VCV001460215.8), dbSNP rs2146785809, ClinGen allele CA2573159502.
Genomic context (GRCh38, chrX:8,534,440, plus strand): 5'-CCCTCCTGGGGTCAGCACTTGCACTTCCAGTCGGTAAAGAGTAGATGGTCTCAGATTGGG[C>CA]ACTGTTAGGACATAATGATCCTAAGGGGACAACATAAAAGAGCATGCTCACCGACAACCT-3'

ClinVar aggregate classification (germline): Pathogenic (1 of 4 stars; one submission).

Conditions:
Hypogonadotropic hypogonadism 1 with or without anosmia (HH1). Also called: Kallmann syndrome, type 1, X-linked; DYSPLASIA OLFACTOGENITALIS OF DE MORSIER; Hypogonadotropic hypogonadism 1 with or without anosmia (Kallmann syndrome 1); HYPOGONADOTROPIC HYPOGONADISM 1 WITH ANOSMIA; KAL1-Related GnRH Deficiency (Kallmann Syndrome 1; Kallmann Syndrome, X-Linked); HYPOGONADOTROPIC HYPOGONADISM AND ANOSMIA. Identifiers: Orphanet 478, MedGen C1563719, MONDO:0010635, OMIM 308700. Disease mechanism: loss of function.

Submission:

Labcorp Genetics (formerly Invitae), Labcorp
Classification: Pathogenic for Hypogonadotropic hypogonadism 1 with or without anosmia. Last evaluated: 2021-04-16. Review status: criteria provided, single submitter. Criteria: Invitae Variant Classification Sherloc (09022015). Collection method: clinical testing. Allele origin: germline.
Comment: For these reasons, this variant has been classified as Pathogenic. This variant disrupts the C-terminus of the ANOS1 protein. Other variant(s) that disrupt this region (p.Arg631*) have been determined to be pathogenic (PMID: 11044805). This suggests that variants that disrupt this region of the protein are likely to be causative of disease. This variant has not been reported in the literature in individuals with ANOS1-related conditions. This variant is not present in population databases (ExAC no frequency). This sequence change creates a premature translational stop signal (p.Pro622Alafs*45) in the ANOS1 gene. While this is not anticipated to result in nonsense mediated decay, it is expected to disrupt the last 59 amino acid(s) of the ANOS1 protein.

Literature cited by the submitters: PubMed 11044805.